The following is an entry in ClinVar:

ClinVar aggregate classification (germline): Uncertain significance. Review status: criteria provided, multiple submitters, no conflicts (2 of 4 stars). 3 submissions from 3 submitters: Uncertain significance (3). Last evaluated 2025-04-11.

Conditions:
Bethlem myopathy 1A. Also called: Bethlem Muscular Dystrophy; Bethlem myopathy 1; MYOPATHY, BENIGN CONGENITAL, WITH CONTRACTURES. Identifiers: Orphanet 610, MedGen CN029274, MONDO:0024530, OMIM 158810.

Allele frequency attached by ClinVar (database versions not stated): TOPMed 0.00001.
gnomAD v4.1: 4 of 1,608,432 alleles (0.00025%); highest among the groups gnomAD compares: Admixed American, 0.0033%; no homozygotes.

Submissions (3):

Revvity Omics, Revvity
Classification: Uncertain significance. Last evaluated: 2025-04-11. Review status: criteria provided, single submitter. Criteria: ACMG Guidelines, 2015. Collection method: clinical testing. Allele origin: germline.

Labcorp Genetics (formerly Invitae), Labcorp
Classification: Uncertain significance for Bethlem myopathy 1A. Last evaluated: 2023-10-04. Review status: criteria provided, single submitter. Criteria: Invitae Variant Classification Sherloc (09022015). Collection method: clinical testing. Allele origin: germline.
Comment: This sequence change replaces threonine, which is neutral and polar, with arginine, which is basic and polar, at codon 952 of the COL6A2 protein (p.Thr952Arg). This variant is present in population databases (rs147670858, gnomAD 0.003%). This variant has not been reported in the literature in individuals affected with COL6A2-related conditions. ClinVar contains an entry for this variant (Variation ID: 656099). Advanced modeling of protein sequence and biophysical properties (such as structural, functional, and spatial information, amino acid conservation, physicochemical variation, residue mobility, and thermodynamic stability) performed at Invitae indicates that this missense variant is expected to disrupt COL6A2 protein function. In summary, the available evidence is currently insufficient to determine the role of this variant in disease. Therefore, it has been classified as a Variant of Uncertain Significance.

GeneDx
Classification: Uncertain significance. Last evaluated: 2022-03-14. Review status: criteria provided, single submitter. Criteria: GeneDx Variant Classification Process June 2021. Collection method: clinical testing. Allele origin: germline. Affected: yes.
Comment: Not observed at significant frequency in large population cohorts (gnomAD); In silico analysis supports that this missense variant has a deleterious effect on protein structure/function; Has not been previously published as pathogenic or benign to our knowledge

NM_001849.4(COL6A2):c.2855C>G (p.Thr952Arg)

Gene: COL6A2 (collagen type VI alpha 2 chain; plus strand). Cytogenetic location: 21q22.3.
Variant type: single nucleotide variant.
Coding change: c.2855C>G on transcript NM_001849.4 (MANE Select); coding-DNA position 2855, C replaced by G.
Protein change: p.Thr952Arg; replaces threonine 952 with arginine.
Molecular consequence: missense variant.
Genome position (GRCh38, 1-based): chr21:46,132,347, C>G. VCF-style: chr21-46132347-C-G. GRCh37 (hg19) VCF-style: chr21-47552261-C-G.
Other names: short protein forms T952R.
Identifiers: ClinVar variation 656099 (VCV000656099.11), dbSNP rs147670858, ClinGen allele CA10073058.